The following is an entry in ClinVar:

ClinVar aggregate classification (germline): Uncertain significance. Review status: criteria provided, multiple submitters, no conflicts (2 of 4 stars). 2 submissions from 2 submitters: Uncertain significance (2). Last evaluated 2023-12-18.

Conditions:
Inborn genetic diseases. Identifiers: MedGen C0950123, MeSH D030342.

Allele frequency attached by ClinVar (database versions not stated): gnomAD exomes below 0.00001; ExAC 0.00001.
gnomAD v4.1: 2 of 1,606,408 alleles (0.00012%); highest among the groups gnomAD compares: South Asian, 0.0022%; no homozygotes.

Submissions (2):

Labcorp Genetics (formerly Invitae), Labcorp
Classification: Uncertain significance. Last evaluated: 2023-12-18. Review status: criteria provided, single submitter. Criteria: Invitae Variant Classification Sherloc (09022015). Collection method: clinical testing. Allele origin: germline.
Comment: This sequence change replaces serine, which is neutral and polar, with arginine, which is basic and polar, at codon 12 of the SOX11 protein (p.Ser12Arg). This variant is present in population databases (rs772578286, gnomAD 0.007%). This variant has not been reported in the literature in individuals affected with SOX11-related conditions. ClinVar contains an entry for this variant (Variation ID: 2293496). An algorithm developed to predict the effect of missense changes on protein structure and function (PolyPhen-2) suggests that this variant is likely to be disruptive. In summary, the available evidence is currently insufficient to determine the role of this variant in disease. Therefore, it has been classified as a Variant of Uncertain Significance.

Ambry Genetics
Classification: Uncertain significance for Inborn genetic diseases. Last evaluated: 2022-06-08. Review status: criteria provided, single submitter. Criteria: Ambry Variant Classification Scheme 2023. Collection method: clinical testing. Allele origin: germline.

NM_003108.4(SOX11):c.36C>A (p.Ser12Arg)

Gene: SOX11 (SRY-box transcription factor 11; plus strand). Cytogenetic location: 2p25.2.
Variant type: single nucleotide variant.
Coding change: c.36C>A on transcript NM_003108.4 (MANE Select); coding-DNA position 36, C replaced by A.
Protein change: p.Ser12Arg; replaces serine 12 with arginine.
Molecular consequence: missense variant.
Genome position (GRCh38, 1-based): chr2:5,692,757, C>A. VCF-style: chr2-5692757-C-A. GRCh37 (hg19) VCF-style: chr2-5832889-C-A.
Other names: short protein forms S12R.
Identifiers: ClinVar variation 2293496 (VCV002293496.5), dbSNP rs772578286, ClinGen allele CA1517790.